The following is an entry in ClinVar:

ClinVar aggregate classification (germline): Uncertain significance. Review status: criteria provided, multiple submitters, no conflicts (2 of 4 stars). 2 submissions from 2 submitters: Uncertain significance (2). Last evaluated 2023-04-16.

Conditions:
Amyotrophic lateral sclerosis type 8 (ALS8). Identifiers: Orphanet 803, MedGen C1837728, MONDO:0012077, OMIM 608627.
Adult-onset proximal spinal muscular atrophy, autosomal dominant. Also called: FINKEL LATE-ADULT TYPE SMA; Spinal muscular atrophy, late-onset, finkel type. Identifiers: Orphanet 209335, MedGen C1854058, MONDO:0008453, OMIM 182980.

Submissions (2):

Labcorp Genetics (formerly Invitae), Labcorp
Classification: Uncertain significance for Adult-onset proximal spinal muscular atrophy, autosomal dominant; Amyotrophic lateral sclerosis type 8. Last evaluated: 2023-04-16. Review status: criteria provided, single submitter. Criteria: Invitae Variant Classification Sherloc (09022015). Collection method: clinical testing. Allele origin: germline.
Comment: This sequence change replaces lysine, which is basic and polar, with valine, which is neutral and non-polar, at codon 168 of the VAPB protein (p.Lys168Val). This variant is present in population databases (no rsID available, gnomAD 0.07%). This variant has not been reported in the literature in individuals affected with VAPB-related conditions. ClinVar contains an entry for this variant (Variation ID: 1327370). An algorithm developed to predict the effect of missense changes on protein structure and function (PolyPhen-2) suggests that this variant is likely to be disruptive. In summary, the available evidence is currently insufficient to determine the role of this variant in disease. Therefore, it has been classified as a Variant of Uncertain Significance.

GeneDx
Classification: Uncertain significance. Last evaluated: 2021-11-15. Review status: criteria provided, single submitter. Criteria: GeneDx Variant Classification Process June 2021. Collection method: clinical testing. Allele origin: germline. Affected: yes.
Comment: In silico analysis supports a deleterious effect on protein structure/function; Has not been previously published as pathogenic or benign to our knowledge

NM_004738.5(VAPB):c.502_503delinsGT (p.Lys168Val)

Gene: VAPB (VAMP associated protein B and C; plus strand). Cytogenetic location: 20q13.32.
Variant type: Indel.
Coding change: c.502_503delinsGT on transcript NM_004738.5 (MANE Select); coding-DNA positions 502 to 503, AA replaced by GT.
Protein change: p.Lys168Val; replaces lysine 168 with valine.
Molecular consequence: missense variant. On other transcripts: non-coding transcript variant (1), intron variant (1).
Genome position (GRCh38, 1-based): chr20:58,441,012-58,441,013, AA replaced by GT. VCF-style: chr20-58441012-AA-GT. GRCh37 (hg19) VCF-style: chr20-57016068-AA-GT.
Other names: c.212-3065_212-3064delinsGT (NM_001195677.2); short protein forms K168V.
Identifiers: ClinVar variation 1327370 (VCV001327370.10), dbSNP rs2123099930, ClinGen allele CA2573054889.